The following is an entry in ClinVar:

ClinVar aggregate classification (germline): Uncertain significance (1 of 4 stars; one submission).

Conditions:
Developmental and epileptic encephalopathy, 11 (DEE11). Also called: Early infantile epileptic encephalopathy 11. Identifiers: Orphanet 1934, MedGen C3150987, MONDO:0013388, OMIM 613721.

Submission:

Neuberg Centre For Genomic Medicine, NCGM
Classification: Uncertain significance for Developmental and epileptic encephalopathy, 11. Last evaluated: 2023-05-20. Review status: criteria provided, single submitter. Criteria: ACMG Guidelines, 2015. Collection method: clinical testing. Allele origin: germline. Inheritance: Autosomal dominant inheritance. Affected: yes.
Comment: The observed missense variant c.2714A>C (p.Lys905Thr) in the SCN2A gene has not been reported previously as a pathogenic variant nor as a benign variant, to our knowledge. This variant is absent in the gnomAD Exomes. The amino acid Lysine at position 905 is changed to a Threonine changing protein sequence and it might alter its composition and physico-chemical properties. Multiple lines of computational evidence (Polyphen - Damaging, SIFT - Damaging and MutationTaster - Disease causing) predict a damaging effect on protein structure and function for this variant. The residue is conserved by GERP++ and PhyloP across 100 vertebrates. For these reasons, this variant has been classified as Uncertain Significance.

NM_001040142.2(SCN2A):c.2714A>C (p.Lys905Thr)

Gene: SCN2A (sodium voltage-gated channel alpha subunit 2; plus strand). Cytogenetic location: 2q24.3.
Variant type: single nucleotide variant.
Coding change: c.2714A>C on transcript NM_001040142.2 (MANE Select); coding-DNA position 2714, A replaced by C.
Protein change: p.Lys905Thr; replaces lysine 905 with threonine.
Molecular consequence: missense variant.
Genome position (GRCh38, 1-based): chr2:165,344,706, A>C. VCF-style: chr2-165344706-A-C. GRCh37 (hg19) VCF-style: chr2-166201216-A-C.
Other names: c.2714A>C, p.Lys905Thr (NM_001040143.2, NM_001371246.1, NM_001371247.1 and 1 more transcripts); short protein forms K905T.
Identifiers: ClinVar variation 3341421 (VCV003341421.1).